The following is an entry in ClinVar:

ClinVar aggregate classification (germline): Uncertain significance (1 of 4 stars; one submission).

Conditions:
Neuromuscular disease caused by qualitative or quantitative defects of dysferlin. Also called: Qualitative or quantitative defects of dysferlin; Dysferlinopathy. Identifiers: Orphanet 207073, MedGen C2931687, MONDO:0016145.

Allele frequency attached by ClinVar (database versions not stated): gnomAD exomes below 0.00001 and 0.00001; ExAC 0.00001; gnomAD 0.00001; TOPMed 0.00001.
gnomAD v4.1: 10 of 1,614,148 alleles (0.00062%); highest among the groups gnomAD compares: African/African-American, 0.004%; no homozygotes.

Submission:

Labcorp Genetics (formerly Invitae), Labcorp
Classification: Uncertain significance for Neuromuscular disease caused by qualitative or quantitative defects of dysferlin. Last evaluated: 2021-09-17. Review status: criteria provided, single submitter. Criteria: Invitae Variant Classification Sherloc (09022015). Collection method: clinical testing. Allele origin: germline.
Comment: This sequence change replaces arginine with glutamine at codon 818 of the DYSF protein (p.Arg818Gln). The arginine residue is moderately conserved and there is a small physicochemical difference between arginine and glutamine. This variant is present in population databases (rs754431230, ExAC 0.001%). This variant has not been reported in the literature in individuals affected with DYSF-related conditions. Advanced modeling of protein sequence and biophysical properties (such as structural, functional, and spatial information, amino acid conservation, physicochemical variation, residue mobility, and thermodynamic stability) performed at Invitae indicates that this missense variant is not expected to disrupt DYSF protein function. Algorithms developed to predict the effect of sequence changes on RNA splicing suggest that this variant may create or strengthen a splice site. In summary, the available evidence is currently insufficient to determine the role of this variant in disease. Therefore, it has been classified as a Variant of Uncertain Significance.

NM_001130987.2(DYSF):c.2507G>A (p.Arg836Gln)

Gene: DYSF (dysferlin; plus strand). Cytogenetic location: 2p13.2.
Variant type: single nucleotide variant.
Coding change: c.2507G>A on transcript NM_001130987.2 (MANE Select); coding-DNA position 2507, G replaced by A.
Protein change: p.Arg836Gln; replaces arginine 836 with glutamine.
Molecular consequence: missense variant.
Genome position (GRCh38, 1-based): chr2:71,564,155, G>A. VCF-style: chr2-71564155-G-A. GRCh37 (hg19) VCF-style: chr2-71791285-G-A.
Other names: c.2456G>A, p.Arg819Gln (NM_001130455.2, NM_001130983.2); c.2411G>A, p.Arg804Gln (NM_001130976.2, NM_001130977.2); c.2453G>A, p.Arg818Gln (NM_001130978.2, NM_003494.4); c.2546G>A, p.Arg849Gln (NM_001130979.2); c.2504G>A, p.Arg835Gln (NM_001130980.2, NM_001130981.2); c.2549G>A, p.Arg850Gln (NM_001130982.2); c.2414G>A, p.Arg805Gln (NM_001130984.2, NM_001130986.2); c.2507G>A, p.Arg836Gln (NM_001130985.2); short protein forms R818Q, R804Q, R819Q, R835Q, R805Q, R836Q, R849Q, R850Q.
Identifiers: ClinVar variation 1355770 (VCV001355770.5), dbSNP rs754431230, ClinGen allele CA1706190.